The following is an entry in ClinVar:

NM_213655.5(WNK1):c.2200C>G (p.Pro734Ala)

Gene: WNK1 (WNK lysine deficient protein kinase 1; plus strand). Cytogenetic location: 12p13.33.
Variant type: single nucleotide variant.
Coding change: c.2200C>G on transcript NM_213655.5 (MANE Plus Clinical); coding-DNA position 2200, C replaced by G.
Protein change: p.Pro734Ala; replaces proline 734 with alanine.
Molecular consequence: missense variant. On other transcripts: intron variant (3).
Genome position (GRCh38, 1-based): chr12:865,170, C>G. VCF-style: chr12-865170-C-G. GRCh37 (hg19) VCF-style: chr12-974336-C-G.
Other names: c.2140-2696C>G (NM_001184985.2); c.2139+2900C>G (NM_018979.4, NM_014823.3); short protein forms P734A.
Identifiers: ClinVar variation 1519502 (VCV001519502.8), dbSNP rs72649830, ClinGen allele CA383337555.
Genomic context (GRCh38, chr12:865,170, plus strand): 5'-CCTCGTCGTGGCCGTAGCATGTCGGTTTGTGTTCCCATCTTTCTGCTGTTGCCTCTGTGT[C>G]CCGCATCTCTCCCAGTGCTCTTCCACCCCACCGCCAGTACTGTCTGCACCTCTTTCTCCT-3'
Protein context (NP_998820.3, residues 724-744): VPIFLLLPLC[Pro734Ala]ASLPVLFHPT

ClinVar aggregate classification (germline): Uncertain significance (1 of 4 stars; one submission).

Conditions:
Neuropathy, hereditary sensory and autonomic, type 2A (HSAN2A). Also called: HSAN IIA; ACROOSTEOLYSIS, GIACCAI TYPE; ACROOSTEOLYSIS, NEUROGENIC; MORVAN DISEASE; NEUROPATHY, CONGENITAL SENSORY; NEUROPATHY, HEREDITARY SENSORY RADICULAR, AUTOSOMAL RECESSIVE. Identifiers: Orphanet 970, MedGen C2752089, MONDO:0024309, OMIM 201300.
Pseudohypoaldosteronism type 2C (PHA2C). Also called: Pseudohypoaldosteronism Type IIC. Identifiers: Orphanet 757, Orphanet 88940, MedGen C1840391, MONDO:0013778, OMIM 614492.

Submission:

Labcorp Genetics (formerly Invitae), Labcorp
Classification: Uncertain significance for Neuropathy, hereditary sensory and autonomic, type 2A; Pseudohypoaldosteronism type 2C. Last evaluated: 2023-07-08. Review status: criteria provided, single submitter. Criteria: Invitae Variant Classification Sherloc (09022015). Collection method: clinical testing. Allele origin: germline.
Comment: In summary, the available evidence is currently insufficient to determine the role of this variant in disease. Therefore, it has been classified as a Variant of Uncertain Significance. Advanced modeling of protein sequence and biophysical properties (such as structural, functional, and spatial information, amino acid conservation, physicochemical variation, residue mobility, and thermodynamic stability) performed at Invitae indicates that this missense variant is not expected to disrupt WNK1 protein function. ClinVar contains an entry for this variant (Variation ID: 1519502). This variant has not been reported in the literature in individuals affected with WNK1-related conditions. This variant is not present in population databases (gnomAD no frequency). This sequence change replaces proline, which is neutral and non-polar, with alanine, which is neutral and non-polar, at codon 734 of the WNK1 protein (p.Pro734Ala).